The following is an entry in ClinVar:

ClinVar aggregate classification (germline): Benign/Likely benign. Review status: criteria provided, multiple submitters, no conflicts (2 of 4 stars). 3 submissions from 3 submitters: Benign (1); Likely benign (2). Last evaluated 2026-06-01.

Allele frequency attached by ClinVar (database versions not stated): gnomAD 0.00048 and 0.00065; ESP Exome Variant Server 0.00062; TOPMed 0.00068; gnomAD exomes 0.00077 and 0.00145; ExAC 0.00146; 1000 Genomes Project 0.00160; 1000 Genomes Project 30x 0.00172.
gnomAD v4.1: 1,248 of 1,594,086 alleles (0.078%); highest among the groups gnomAD compares: South Asian, 0.65%; 9 homozygotes.

Submissions (3):

CeGaT Center for Human Genetics Tuebingen
Classification: Likely benign. Last evaluated: 2026-06-01. Review status: criteria provided, single submitter. Criteria: CeGaT Center For Human Genetics Tuebingen Variant Classification Criteria Version 2. Collection method: clinical testing. Allele origin: germline. Affected: yes. Observed: 3 variant alleles.
Comment: FERRY3: BP4

Blueprint Genetics
Classification: Likely benign. Last evaluated: 2024-11-05. Review status: criteria provided, single submitter. Criteria: ACMG Guidelines, 2015. Collection method: clinical testing. Allele origin: germline.

Labcorp Genetics (formerly Invitae), Labcorp
Classification: Benign. Last evaluated: 2018-10-09. Review status: criteria provided, single submitter. Criteria: Invitae Variant Classification Sherloc (09022015). Collection method: clinical testing. Allele origin: germline.

NM_020374.4(FERRY3):c.1082T>C (p.Ile361Thr)

Gene: FERRY3 (FERRY endosomal RAB5 effector complex subunit 3; minus strand). Cytogenetic location: 12p13.32.
Variant type: single nucleotide variant.
Coding change: c.1082T>C on transcript NM_020374.4 (MANE Select); coding-DNA position 1082, T replaced by C.
Protein change: p.Ile361Thr; replaces isoleucine 361 with threonine.
Molecular consequence: missense variant. On other transcripts: non-coding transcript variant (1), intron variant (3).
Genome position (GRCh38, 1-based): chr12:4,517,141, A>G on the plus strand (T>C on the coding strand, the complement: FERRY3 is on the minus strand). VCF-style: chr12-4517141-A-G. GRCh37 (hg19) VCF-style: chr12-4626307-A-G.
Other names: c.1082T>C, p.Ile361Thr (NM_001304811.2); c.563T>C, p.Ile188Thr (NM_001346156.2); c.230T>C, p.Ile77Thr (NM_001352962.2); c.514+917T>C (NM_001346157.2); c.1033+917T>C (NM_001346155.2, NM_001346153.2); short protein forms I361T, I188T, I77T.
Identifiers: ClinVar variation 723335 (VCV000723335.28), dbSNP rs143102907, ClinGen allele CA6396197.